The following is an entry in ClinVar:

ClinVar aggregate classification (germline): Benign/Likely benign. Review status: criteria provided, multiple submitters, no conflicts (2 of 4 stars). 6 submissions from 6 submitters: Benign (3); Likely benign (2). 1 of the submissions does not count toward it. Last evaluated 2024-10-03.

Conditions:
Facial paresis, hereditary congenital, 3. Identifiers: Orphanet 306530, MedGen C3553625, MONDO:0013880, OMIM 614744.
HOXB1-related disorder. Also called: HOXB1-related condition.

Allele frequency attached by ClinVar (database versions not stated): ExAC 0.00090; 1000 Genomes Project 30x 0.00250; gnomAD 0.00290 and 0.00319; 1000 Genomes Project 0.00300; ESP Exome Variant Server 0.00323; TOPMed 0.00341.

Submissions (6):

Blueprint Genetics
Classification: Likely benign. Last evaluated: 2024-10-03. Review status: criteria provided, single submitter. Criteria: ACMG Guidelines, 2015. Collection method: clinical testing. Allele origin: germline.

Fulgent Genetics
Classification: Likely benign for Facial paresis, hereditary congenital, 3. Last evaluated: 2022-04-15. Review status: criteria provided, single submitter. Criteria: ACMG Guidelines, 2015. Collection method: clinical testing. Allele origin: unknown.

Labcorp Genetics (formerly Invitae), Labcorp
Classification: Benign. Last evaluated: 2018-12-05. Review status: criteria provided, single submitter. Criteria: Invitae Variant Classification Sherloc (09022015). Collection method: clinical testing. Allele origin: germline.

Athena Diagnostics
Classification: Benign. Last evaluated: 2018-11-16. Review status: criteria provided, single submitter. Criteria: Athena Diagnostics Criteria. Collection method: clinical testing. Allele origin: germline.

Breakthrough Genomics
Classification: Benign. Review status: criteria provided, single submitter. Criteria: ACMG Guidelines, 2015. Collection method: not provided. Allele origin: germline. Inheritance: Autosomal recessive inheritance. Affected: yes.

PreventionGenetics, part of Exact Sciences
Classification: Benign for HOXB1-related condition. Last evaluated: 2020-02-05. Review status: no assertion criteria provided. Collection method: clinical testing. Allele origin: germline. Not counted in ClinVar's aggregate classification.
Comment: This variant is classified as benign based on ACMG/AMP sequence variant interpretation guidelines (Richards et al. 2015 PMID: 25741868, with internal and published modifications).

NM_002144.4(HOXB1):c.283C>A (p.Pro95Thr)

Gene: HOXB1 (homeobox B1; minus strand). Cytogenetic location: 17q21.32.
Variant type: single nucleotide variant.
Coding change: c.283C>A on transcript NM_002144.4 (MANE Select); coding-DNA position 283, C replaced by A.
Protein change: p.Pro95Thr; replaces proline 95 with threonine.
Molecular consequence: missense variant.
Genome position (GRCh38, 1-based): chr17:48,530,622, G>T on the plus strand (C>A on the coding strand, the complement: HOXB1 is on the minus strand). VCF-style: chr17-48530622-G-T. GRCh37 (hg19) VCF-style: chr17-46607984-G-T.
Other names: short protein forms P95T.
Identifiers: ClinVar variation 703028 (VCV000703028.9), dbSNP rs150583509, ClinGen allele CA8631803.